The following is an entry in ClinVar:

ClinVar aggregate classification (germline): Pathogenic/Likely pathogenic. Review status: criteria provided, multiple submitters, no conflicts (2 of 4 stars). 2 submissions from 2 submitters: Pathogenic (1); Likely pathogenic (1). Last evaluated 2021-08-19.

Submissions (2):

Athena Diagnostics
Classification: Likely pathogenic. Last evaluated: 2021-08-19. Review status: criteria provided, single submitter. Criteria: Athena Diagnostics Criteria. Collection method: clinical testing. Allele origin: unknown.
Comment: This variant is expected to result in the loss of a functional protein. The frequency of this variant in the general population is consistent with pathogenicity.

Revvity Omics, Revvity
Classification: Pathogenic. Last evaluated: 2019-05-08. Review status: criteria provided, single submitter. Criteria: ACMG Guidelines, 2015. Collection method: clinical testing. Allele origin: germline.

NM_182961.4(SYNE1):c.11971_11974del (p.Ile3991fs)

Gene: SYNE1 (spectrin repeat containing nuclear envelope protein 1; minus strand). Cytogenetic location: 6q25.2.
Variant type: Deletion.
Coding change: c.11971_11974del on transcript NM_182961.4 (MANE Select); coding-DNA positions 11971 to 11974, 4 bases deleted (ATTG; older notation c.11971_11974delATTG).
Protein change: p.Ile3991fs; shifts the reading frame from isoleucine 3991.
Molecular consequence: frameshift variant.
Genome position (GRCh38, 1-based): chr6:152,347,163-152,347,166, CAAT deleted on the plus strand (ATTG on the coding strand, the reverse complement: SYNE1 is on the minus strand); deleting any 4 consecutive bases within chr6:152,347,163-152,347,169 gives the same sequence; the c. name uses the placement nearest the transcript's 3' end. VCF-style (leftmost placement, unchanged base first): chr6-152347162-CCAAT-C. GRCh37 (hg19) VCF-style: chr6-152668297-CCAAT-C.
Other names: c.11758_11761del, p.Ile3920fs (NM_033071.5); short protein forms I3920fs, I3991fs.
Identifiers: ClinVar variation 1323663 (VCV001323663.5), dbSNP rs1246610728, ClinGen allele CA571134118.
Genomic context (GRCh38, chr6:152,347,162, plus strand): 5'-CCCTGCAGATGAGCATGCACGTTTTGTTTAAGTTTCGCTTGCAGGTGGTCTGCACATTGG[CCAAT>C]CAAAGTATCACCTTTCATTTGAAGATTGTTCAAACGGTCTTCAAAACCAGCAATTTCTTC-3'